The following is an entry in ClinVar:

NM_000632.4(ITGAM):c.964A>G (p.Lys322Glu)

Gene: ITGAM (integrin subunit alpha M; plus strand). Cytogenetic location: 16p11.2.
Variant type: single nucleotide variant.
Coding change: c.964A>G on transcript NM_000632.4 (MANE Select); coding-DNA position 964, A replaced by G.
Protein change: p.Lys322Glu; replaces lysine 322 with glutamic acid.
Molecular consequence: missense variant.
Genome position (GRCh38, 1-based): chr16:31,275,654, A>G. VCF-style: chr16-31275654-A-G. GRCh37 (hg19) VCF-style: chr16-31286975-A-G.
Other names: c.964A>G, p.Lys322Glu (NM_001145808.2); short protein forms K322E.
Identifiers: ClinVar variation 4690982 (VCV004690982.1).

ClinVar aggregate classification (germline): Uncertain significance (1 of 4 stars; one submission).

Submission:

Labcorp Genetics (formerly Invitae), Labcorp
Classification: Uncertain significance. Last evaluated: 2025-12-22. Review status: criteria provided, single submitter. Criteria: Invitae Variant Classification Sherloc (09022015). Collection method: clinical testing. Allele origin: germline.
Comment: This sequence change replaces lysine, which is basic and polar, with glutamic acid, which is acidic and polar, at codon 322 of the ITGAM protein (p.Lys322Glu). This variant is not present in population databases (gnomAD no frequency). This variant has not been reported in the literature in individuals affected with ITGAM-related conditions. An algorithm developed to predict the effect of missense changes on protein structure and function (PolyPhen-2) suggests that this variant is likely to be disruptive. In summary, the available evidence is currently insufficient to determine the role of this variant in disease. Therefore, it has been classified as a Variant of Uncertain Significance.